The following is an entry in ClinVar:

ClinVar aggregate classification (germline): Uncertain significance (1 of 4 stars; one submission).

Conditions:
Hereditary spastic paraplegia 30. Identifiers: Orphanet 101010, MedGen C5235139, MONDO:0012476.
Neuropathy, hereditary sensory, type 2C. Also called: Hereditary sensory and autonomic neuropathy type IIC; KIF1A-Related HSAN2 (HSAN2C). Identifiers: Orphanet 970, MedGen C3280168, MONDO:0013634, OMIM 614213.
Intellectual disability, autosomal dominant 9 (NESCAVS). Also called: NESCAV SYNDROME; KIF1A-Related Neurodevelopmental Disorder. Identifiers: Orphanet 662367, MedGen C5393830, MONDO:0013656, OMIM 614255.

Submission:

Labcorp Genetics (formerly Invitae), Labcorp
Classification: Uncertain significance for Hereditary spastic paraplegia 30; Neuropathy, hereditary sensory, type 2C; Intellectual disability, autosomal dominant 9. Last evaluated: 2023-07-07. Review status: criteria provided, single submitter. Criteria: Invitae Variant Classification Sherloc (09022015). Collection method: clinical testing. Allele origin: germline.
Comment: In summary, the available evidence is currently insufficient to determine the role of this variant in disease. Therefore, it has been classified as a Variant of Uncertain Significance. Advanced modeling of protein sequence and biophysical properties (such as structural, functional, and spatial information, amino acid conservation, physicochemical variation, residue mobility, and thermodynamic stability) has been performed at Invitae for this missense variant, however the output from this modeling did not meet the statistical confidence thresholds required to predict the impact of this variant on KIF1A protein function. ClinVar contains an entry for this variant (Variation ID: 2049640). This variant has not been reported in the literature in individuals affected with KIF1A-related conditions. This variant is not present in population databases (gnomAD no frequency). This sequence change replaces aspartic acid, which is acidic and polar, with tyrosine, which is neutral and polar, at codon 829 of the KIF1A protein (p.Asp829Tyr).

NM_001244008.2(KIF1A):c.2512G>T (p.Asp838Tyr)

Gene: KIF1A (kinesin family member 1A; minus strand). Cytogenetic location: 2q37.3.
Variant type: single nucleotide variant.
Coding change: c.2512G>T on transcript NM_001244008.2 (MANE Select); coding-DNA position 2512, G replaced by T.
Protein change: p.Asp838Tyr; replaces aspartic acid 838 with tyrosine.
Molecular consequence: missense variant.
Genome position (GRCh38, 1-based): chr2:240,758,430, C>A on the plus strand (G>T on the coding strand, the complement: KIF1A is on the minus strand). VCF-style: chr2-240758430-C-A. GRCh37 (hg19) VCF-style: chr2-241697847-C-A.
Other names: c.2512G>T, p.Asp838Tyr (NM_001320705.2, NM_001330289.2, NM_001379638.1); c.2587G>T, p.Asp863Tyr (NM_001330290.2, NM_001379631.1, NM_001379634.1 and 2 more transcripts); c.2485G>T, p.Asp829Tyr (NM_001379632.1, NM_001379633.1, NM_001379636.1 and 11 more transcripts); c.2560G>T, p.Asp854Tyr (NM_001379637.1, NM_001379648.1); short protein forms D829Y, D838Y, D854Y, D863Y.
Identifiers: ClinVar variation 2049640 (VCV002049640.4), dbSNP rs2537537200, ClinGen allele CA351323733.